The following is an entry in ClinVar:

NM_005422.4(TECTA):c.4802A>G (p.Asn1601Ser)

Genes: TBCEL-TECTA (TBCEL-TECTA readthrough; plus strand), TECTA (tectorin alpha; plus strand). Cytogenetic location: 11q23.3.
Variant type: single nucleotide variant.
Coding change: c.4802A>G on transcript NM_005422.4 (MANE Select); coding-DNA position 4802, A replaced by G.
Protein change: p.Asn1601Ser; replaces asparagine 1601 with serine.
Molecular consequence: missense variant.
Genome position (GRCh38, 1-based): chr11:121,160,247, A>G. VCF-style: chr11-121160247-A-G. GRCh37 (hg19) VCF-style: chr11-121030956-A-G.
Other names: c.5759A>G, p.Asn1920Ser (NM_001378761.1); short protein forms N1601S, N1920S.
Identifiers: ClinVar variation 229303 (VCV000229303.12), dbSNP rs758272613, ClinGen allele CA6327569.
Genomic context (GRCh38, chr11:121,160,247, plus strand): 5'-TCTACAGCAGTGAGGGGTTTCTGGTGATTGACACCAGCCCAGACATCCAGATATACTACA[A>G]TGGTTTCAACGTCATTAAAATCAGCATCAGCGAGAGGCTGCAGAACAAAGTGTGCGGTCT-3'
Protein context (NP_005413.2, residues 1591-1611): DTSPDIQIYY[Asn1601Ser]GFNVIKISIS

ClinVar aggregate classification (germline): Uncertain significance. Review status: criteria provided, multiple submitters, no conflicts (2 of 4 stars). 4 submissions from 4 submitters: Uncertain significance (4). Last evaluated 2021-03-24.

Conditions:
Congenital sensorineural hearing impairment. Identifiers: MedGen C1865866, HP:0008527.

Allele frequency attached by ClinVar (database versions not stated): ExAC 0.00002; gnomAD 0.00003; gnomAD exomes 0.00003; TOPMed 0.00003.
gnomAD v4.1: 49 of 1,614,094 alleles (0.003%); highest among the groups gnomAD compares: Middle Eastern, 0.016%; no homozygotes.

Submissions (4):

GeneDx
Classification: Uncertain significance. Last evaluated: 2021-03-24. Review status: criteria provided, single submitter. Criteria: GeneDx Variant Classification Process June 2021. Collection method: clinical testing. Allele origin: germline. Affected: yes.
Comment: In silico analysis, which includes protein predictors and evolutionary conservation, supports that this variant does not alter protein structure/function; Has not been previously published as pathogenic or benign to our knowledge

Centre for Mendelian Genomics, University Medical Centre Ljubljana
Classification: Uncertain significance for Congenital sensorineural hearing impairment. Last evaluated: 2017-01-01. Review status: criteria provided, single submitter. Criteria: ACMG Guidelines, 2015. Collection method: clinical testing. Allele origin: unknown. Affected: yes.

Eurofins Ntd Llc (ga)
Classification: Uncertain significance. Last evaluated: 2016-09-07. Review status: criteria provided, single submitter. Criteria: EGL Classification Definitions 2015. Collection method: clinical testing. Allele origin: germline. Observed: 1 variant allele, 1 heterozygote.

Laboratory for Molecular Medicine, Mass General Brigham Personalized Medicine
Classification: Uncertain significance. Last evaluated: 2015-11-25. Review status: criteria provided, single submitter. Criteria: LMM Criteria. Collection method: clinical testing. Allele origin: germline. Observed: 1 variant allele.
Comment: The p.Asn1601Ser variant in TECTA has not been previously reported in individual s with hearing loss, but has been identified in 3/66740 of European chromosomes by the Exome Aggregation Consortium (ExAC; dbSNP rs758272613). Although this variant has been seen in the general population, it s frequency is not high enough to rule out a pathogenic role. Computational pred iction tools and conservation analysis suggest that this variant may impact the protein, though this information is not predictive enough to determine pathogeni city. In summary, the clinical significance of the p.Asn1601Ser variant is uncer tain.